The following is an entry in ClinVar:

NM_000052.7(ATP7A):c.1137T>C (p.Thr379=)

Gene: ATP7A (ATPase copper transporting alpha; plus strand). Cytogenetic location: Xq21.1.
Variant type: single nucleotide variant.
Coding change: c.1137T>C on transcript NM_000052.7 (MANE Select); coding-DNA position 1137, T replaced by C.
Protein change: p.Thr379=; no amino-acid change (threonine 379 retained).
Molecular consequence: synonymous variant.
Genome position (GRCh38, 1-based): chrX:77,989,759, T>C. VCF-style: chrX-77989759-T-C. GRCh37 (hg19) VCF-style: chrX-77245255-T-C.
Other names: p.Thr379=; c.1137T>C, p.Thr379= (NM_001282224.2).
Identifiers: ClinVar variation 1160401 (VCV001160401.10), dbSNP rs376042813, ClinGen allele CA10458996.

ClinVar aggregate classification (germline): Likely benign. Review status: criteria provided, multiple submitters, no conflicts (2 of 4 stars). 2 submissions from 2 submitters: Likely benign (2). Last evaluated 2025-12-21.

Conditions:
X-linked distal spinal muscular atrophy type 3. Also called: SPINAL MUSCULAR ATROPHY, DISTAL, X-LINKED RECESSIVE; ATP7A-Related Distal Motor Neuropathy; NEURONOPATHY, DISTAL HEREDITARY MOTOR, X-LINKED; NEUROPATHY, DISTAL HEREDITARY MOTOR, X-LINKED. Identifiers: Orphanet 139557, MedGen C1845359, MONDO:0010338, OMIM 300489.
Menkes kinky-hair syndrome (MNK). Also called: Copper transport disease; Classic Menkes Disease; Menkes Disease. Identifiers: Orphanet 565, MedGen C0022716, MONDO:0010651, OMIM 309400.
Cutis laxa, X-linked (OHS). Also called: EDS IX; Occipital horn syndrome. Identifiers: Orphanet 198, MedGen C0268353, MONDO:0010572, OMIM 304150.

Allele frequency attached by ClinVar (database versions not stated): ExAC 0.00001; gnomAD exomes 0.00001 and 0.00006; TOPMed 0.00003; gnomAD 0.00004; ESP Exome Variant Server 0.00009.
gnomAD v4.1: 71 of 1,209,290 alleles (0.0059%); highest among the groups gnomAD compares: Non-Finnish European, 0.0078%; no homozygotes.

Submissions (2):

Labcorp Genetics (formerly Invitae), Labcorp
Classification: Likely benign for X-linked distal spinal muscular atrophy type 3; Cutis laxa, X-linked; Menkes kinky-hair syndrome. Last evaluated: 2025-12-21. Review status: criteria provided, single submitter. Criteria: Invitae Variant Classification Sherloc (09022015). Collection method: clinical testing. Allele origin: germline.

Mayo Clinic Laboratories, Mayo Clinic
Classification: Likely benign. Last evaluated: 2025-03-12. Review status: criteria provided, single submitter. Criteria: ACMG Guidelines, 2015. Collection method: clinical testing. Allele origin: germline. Observed: 1 variant allele.
Comment: BP4, BP7